The following is an entry in ClinVar:

NM_005263.5(GFI1):c.419G>A (p.Arg140Gln)

Gene: GFI1 (growth factor independent 1 transcriptional repressor; minus strand). Cytogenetic location: 1p22.1.
Variant type: single nucleotide variant.
Coding change: c.419G>A on transcript NM_005263.5 (MANE Select); coding-DNA position 419, G replaced by A.
Protein change: p.Arg140Gln; replaces arginine 140 with glutamine.
Molecular consequence: missense variant.
Genome position (GRCh38, 1-based): chr1:92,480,968, C>T on the plus strand (G>A on the coding strand, the complement: GFI1 is on the minus strand). VCF-style: chr1-92480968-C-T. GRCh37 (hg19) VCF-style: chr1-92946525-C-T.
Other names: c.419G>A (NM_005263.3); c.419G>A, p.Arg140Gln (NM_001127215.3, NM_001127216.3); short protein forms R140Q.
Identifiers: ClinVar variation 1127236 (VCV001127236.11), dbSNP rs551351361, ClinGen allele CA951392.

ClinVar aggregate classification (germline): Conflicting classifications of pathogenicity. Review status: criteria provided, conflicting classifications (1 of 4 stars). 2 submissions from 2 submitters: Uncertain significance (1); Likely benign (1). Last evaluated 2025-06-23.

Conditions:
Neutropenia, severe congenital, 2, autosomal dominant. Identifiers: Orphanet 486, MedGen C2751288, MONDO:0013139, OMIM 613107.

Allele frequency attached by ClinVar (database versions not stated): gnomAD 0.00001 and 0.00003; TOPMed 0.00004; gnomAD exomes 0.00009; ExAC 0.00011; 1000 Genomes Project 30x 0.00016; 1000 Genomes Project 0.00020.

Submissions (2):

Labcorp Genetics (formerly Invitae), Labcorp
Classification: Likely benign for Neutropenia, severe congenital, 2, autosomal dominant. Last evaluated: 2025-06-23. Review status: criteria provided, single submitter. Criteria: Invitae Variant Classification Sherloc (09022015). Collection method: clinical testing. Allele origin: germline.

Ambry Genetics
Classification: Uncertain significance. Last evaluated: 2024-11-30. Review status: criteria provided, single submitter. Criteria: Ambry Variant Classification Scheme 2023. Collection method: clinical testing. Allele origin: germline.
Comment: The p.R140Q variant (also known as c.419G>A), located in coding exon 3 of the GFI1 gene, results from a G to A substitution at nucleotide position 419. The arginine at codon 140 is replaced by glutamine, an amino acid with highly similar properties. This amino acid position is conserved. In addition, this alteration is predicted to be tolerated by in silico analysis. Based on the available evidence, the clinical significance of this variant remains unclear.